The following is an entry in ClinVar:

ClinVar aggregate classification (germline): Pathogenic (1 of 4 stars; one submission).

Conditions:
Cholestanol storage disease (CTX). Also called: CEREBRAL CHOLESTERINOSIS; Cerebrotendinous Xanthomatosis; CTX: Cerebrotendinous xanthomatosis. Identifiers: Orphanet 909, MedGen C0238052, MONDO:0008948, OMIM 213700.

Submission:

Myriad Genetics, Inc.
Classification: Pathogenic for Cholestanol storage disease. Last evaluated: 2024-01-12. Review status: criteria provided, single submitter. Criteria: Myriad Autosomal Dominant, Autosomal Recessive and X-Linked Classification Criteria (2023). Collection method: clinical testing. Allele origin: unknown.
Comment: NM_000784.3(CYP27A1):c.883_887dup5(L297Pfs*50) is expected to be pathogenic in the context of cerebrotendinous xanthomatosis. This variant is predicted to lead to an abnormal or absent protein product due to the creation of a premature termination codon in CYP27A1, a gene where loss-of-function variants are known to be pathogenic. Please note: this variant was assessed in the context of healthy population screening.

NM_000784.4(CYP27A1):c.883_887dup (p.Leu297fs)

Gene: CYP27A1 (cytochrome P450 family 27 subfamily A member 1; plus strand). Cytogenetic location: 2q35.
Variant type: Duplication.
Coding change: c.883_887dup on transcript NM_000784.4 (MANE Select); coding-DNA positions 883 to 887, 5 bases duplicated (GCCCA; older notation c.883_887dupGCCCA).
Protein change: p.Leu297fs; shifts the reading frame from leucine 297.
Molecular consequence: frameshift variant.
Genome position (GRCh38, 1-based): chr2:218,812,962-218,812,966, GCCCA duplicated. VCF-style (leftmost placement, unchanged base first): chr2-218812961-G-GGCCCA. GRCh37 (hg19) VCF-style: chr2-219677684-G-GGCCCA.
Other names: short protein forms L297fs.
Identifiers: ClinVar variation 5012644 (VCV005012644.1).
Genomic context (GRCh38, chr2:218,812,961, plus strand): 5'-CCTCTTCTCTGTTGCTTTCACAGGGAAGAAGCTGATTGATGAGAAGCTCGAAGATATGGA[G>GGCCCA]GCCCAACTGCAGGCAGCAGGGCCAGATGGCATCCAGGTGTCTGGCTACCTGCACTTCTTA-3'